The following is an entry in ClinVar:

ClinVar aggregate classification (germline): Uncertain significance. Review status: criteria provided, multiple submitters, no conflicts (2 of 4 stars). 3 submissions from 3 submitters: Uncertain significance (3). Last evaluated 2023-10-27.

Conditions:
Hereditary cancer-predisposing syndrome. Also called: Hereditary neoplastic syndrome; Hereditary Cancer Syndrome; Neoplastic Syndromes, Hereditary; Tumor predisposition. Identifiers: Orphanet 140162, MedGen C0027672, MeSH D009386, MONDO:0015356.
Aplastic anemia. Identifiers: Orphanet 182040, Orphanet 88, MedGen C0002874, MONDO:0015909, OMIM 609135, HP:0001915.

Submissions (3):

Baylor Genetics
Classification: Uncertain significance for Aplastic anemia. Last evaluated: 2023-10-27. Review status: criteria provided, single submitter. Criteria: ACMG Guidelines, 2015. Collection method: clinical testing. Allele origin: unknown.

Ambry Genetics
Classification: Uncertain significance for Hereditary cancer-predisposing syndrome. Last evaluated: 2023-05-19. Review status: criteria provided, single submitter. Criteria: Ambry Variant Classification Scheme 2023. Collection method: clinical testing. Allele origin: germline.
Comment: The p.R299S variant (also known as c.897G>T) is located in coding exon 8 of the NBN gene. The arginine at codon 299 is replaced by serine, an amino acid with dissimilar properties. This change occurs in the first base pair of coding exon 8. This amino acid position is conserved. In addition, this alteration is predicted to be tolerated by in silico analysis. Since supporting evidence is limited at this time, the clinical significance of this alteration remains unclear.

GeneDx
Classification: Uncertain significance. Last evaluated: 2016-02-26. Review status: criteria provided, single submitter. Criteria: GeneDx Variant Classification (06012015). Collection method: clinical testing. Allele origin: germline. Affected: yes.
Comment: This variant is denoted NBN c.897G>T at the cDNA level, p.Arg299Ser (R299S) at the protein level, and results in the change of an Arginine to a Serine (AGG>AGT). This variant has not, to our knowledge, been published in the literature as pathogenic or benign. NBN Arg299Ser was not observed in approximately 6,500 individuals of European and African American ancestry in the NHLBI Exome Sequencing Project, suggesting it is not a common benign variant in these populations. Since Arginine and Serine differ in some properties, this is considered a semi-conservative amino acid substitution. NBN Arg299Ser occurs at a position that is conserved in mammals and is located in the region that mediates interaction with SP100 and the region of interaction with MTOR, MAPKAP1 and RICTOR (UniProt). In silico analyses are inconsistent regarding the effect this variant may have on protein structure and function. Based on currently available evidence, it is unclear whether NBN Arg299Ser is a pathogenic or benign variant. We consider it to be a variant of uncertain significance.

NM_002485.5(NBN):c.897G>T (p.Arg299Ser)

Gene: NBN (nibrin; minus strand). Cytogenetic location: 8q21.3.
Variant type: single nucleotide variant.
Coding change: c.897G>T on transcript NM_002485.5 (MANE Select); coding-DNA position 897, G replaced by T.
Protein change: p.Arg299Ser; replaces arginine 299 with serine.
Molecular consequence: missense variant.
Genome position (GRCh38, 1-based): chr8:89,964,507, C>A on the plus strand (G>T on the coding strand, the complement: NBN is on the minus strand). VCF-style: chr8-89964507-C-A. GRCh37 (hg19) VCF-style: chr8-90976735-C-A.
Other names: c.651G>T, p.Arg217Ser (NM_001024688.3); short protein forms R299S, R217S.
Identifiers: ClinVar variation 234868 (VCV000234868.5), dbSNP rs779798363, ClinGen allele CA10577365.